The following is an entry in ClinVar:

ClinVar aggregate classification (germline): Uncertain significance (1 of 4 stars; one submission).

Conditions:
Gastrointestinal stromal tumor. Also called: Gastrointestinal stroma tumor; Gastrointestinal stromal tumor, somatic. Identifiers: Orphanet 44890, MedGen C0238198, MeSH D046152, MONDO:0011719, OMIM 606764, HP:0100723.

Submission:

Labcorp Genetics (formerly Invitae), Labcorp
Classification: Uncertain significance for Gastrointestinal stromal tumor. Last evaluated: 2021-12-11. Review status: criteria provided, single submitter. Criteria: Invitae Variant Classification Sherloc (09022015). Collection method: clinical testing. Allele origin: germline.
Comment: This variant is not present in population databases (gnomAD no frequency). This variant, c.2280_2282del, results in the deletion of 1 amino acid(s) of the KIT protein (p.Asp760del), but otherwise preserves the integrity of the reading frame. This variant has not been reported in the literature in individuals affected with KIT-related conditions. Experimental studies and prediction algorithms are not available or were not evaluated, and the functional significance of this variant is currently unknown. In summary, the available evidence is currently insufficient to determine the role of this variant in disease. Therefore, it has been classified as a Variant of Uncertain Significance.

NM_000222.3(KIT):c.2280_2282del (p.Asp760del)

Gene: KIT (KIT proto-oncogene, receptor tyrosine kinase; plus strand). Cytogenetic location: 4q12.
Variant type: Deletion.
Coding change: c.2280_2282del on transcript NM_000222.3 (MANE Select); coding-DNA positions 2280 to 2282, 3 bases deleted (CGA; older notation c.2280_2282delCGA).
Protein change: p.Asp760del; deletes aspartic acid 760.
Molecular consequence: inframe deletion.
Genome position (GRCh38, 1-based): chr4:54,731,917-54,731,919, CGA deleted; deleting any 3 consecutive bases within chr4:54,731,915-54,731,919 gives the same sequence; the c. name uses the placement nearest the transcript's 3' end. VCF-style (leftmost placement, unchanged base first): chr4-54731914-TGAC-T. GRCh37 (hg19) VCF-style: chr4-55598080-TGAC-T.
Other names: c.2268_2270del, p.Asp756del (NM_001093772.2, NM_001385292.1); c.2283_2285del, p.Asp761del (NM_001385284.1); c.2277_2279del, p.Asp759del (NM_001385285.1); c.2265_2267del, p.Asp755del (NM_001385286.1); c.2271_2273del, p.Asp757del (NM_001385288.1); c.2280_2282del, p.Asp760del (NM_001385290.1); short protein forms D755del, D757del, D756del, D759del, D760del, D761del.
Identifiers: ClinVar variation 1492708 (VCV001492708.6), dbSNP rs2109795352, ClinGen allele CA2573138287.
Genomic context (GRCh38, chr4:54,731,914, plus strand): 5'-TCCTCTCTTCCTCACAGGCTCATACATAGAAAGAGATGTGACTCCCGCCATCATGGAGGA[TGAC>T]GAGTTGGCCCTAGACTTAGAAGACTTGCTGAGCTTTTCTTACCAGGTGGCAAAGGGCATG-3'